The following is an entry in ClinVar:

ClinVar aggregate classification (germline): Uncertain significance (1 of 4 stars; one submission).

Conditions:
Developmental and epileptic encephalopathy, 14 (DEE14). Also called: Early infantile epileptic encephalopathy 14. Identifiers: Orphanet 293181, MedGen C3554195, MONDO:0013989, OMIM 614959.
Autosomal dominant nocturnal frontal lobe epilepsy 5. Also called: KCNT1-Related Epilepsy; Epilepsy, nocturnal frontal lobe, 5; CILIARY DYSKINESIA, PRIMARY, 28, WITHOUT SITUS INVERSUS; CILIARY DYSKINESIA, PRIMARY, 28, WITH SITUS INVERSUS. Identifiers: Orphanet 98784, MedGen C3554306, MONDO:0014002, OMIM 615005.

Submission:

Labcorp Genetics (formerly Invitae), Labcorp
Classification: Uncertain significance for Autosomal dominant nocturnal frontal lobe epilepsy 5; Developmental and epileptic encephalopathy, 14. Last evaluated: 2022-09-02. Review status: criteria provided, single submitter. Criteria: Invitae Variant Classification Sherloc (09022015). Collection method: clinical testing. Allele origin: germline.
Comment: In summary, the available evidence is currently insufficient to determine the role of this variant in disease. Therefore, it has been classified as a Variant of Uncertain Significance. Advanced modeling of protein sequence and biophysical properties (such as structural, functional, and spatial information, amino acid conservation, physicochemical variation, residue mobility, and thermodynamic stability) performed at Invitae indicates that this missense variant is expected to disrupt KCNT1 protein function. This variant has not been reported in the literature in individuals affected with KCNT1-related conditions. This variant is not present in population databases (gnomAD no frequency). This sequence change replaces tryptophan, which is neutral and slightly polar, with cysteine, which is neutral and slightly polar, at codon 204 of the KCNT1 protein (p.Trp204Cys).

NM_020822.3(KCNT1):c.612G>T (p.Trp204Cys)

Gene: KCNT1 (potassium sodium-activated channel subfamily T member 1; plus strand). Cytogenetic location: 9q34.3.
Variant type: single nucleotide variant.
Coding change: c.612G>T on transcript NM_020822.3 (MANE Select); coding-DNA position 612, G replaced by T.
Protein change: p.Trp204Cys; replaces tryptophan 204 with cysteine.
Molecular consequence: missense variant.
Genome position (GRCh38, 1-based): chr9:135,757,167, G>T. VCF-style: chr9-135757167-G-T. GRCh37 (hg19) VCF-style: chr9-138649013-G-T.
Other names: c.468G>T, p.Trp156Cys (NM_001272003.2); short protein forms W156C, W204C.
Identifiers: ClinVar variation 1718679 (VCV001718679.6), dbSNP rs2490834069, ClinGen allele CA375497228.
Genomic context (GRCh38, chr9:135,757,167, plus strand): 5'-CCACCCCCACCCTCCATCGCCCCCGCTGATACCCCCCGTTTGGCCCCAGGGCAACATCTG[G>T]GAGCAGATCTTCCGCGTGTCCTTCGTCCTGGAGATGATCAACACTCTGCCCTTCATCATC-3'
Protein context (NP_065873.2, residues 194-214): LIYLSYKGNI[Trp204Cys]EQIFRVSFVL